The following is an entry in ClinVar:

ClinVar aggregate classification (germline): Likely pathogenic. Review status: criteria provided, multiple submitters, no conflicts (2 of 4 stars). 2 submissions from 2 submitters: Likely pathogenic (2). Last evaluated 2025-09-30.

Conditions:
Hereditary cancer-predisposing syndrome. Also called: Neoplastic Syndromes, Hereditary; Hereditary Cancer Syndrome; Tumor predisposition; Hereditary neoplastic syndrome. Identifiers: Orphanet 140162, MedGen C0027672, MeSH D009386, MONDO:0015356.
Parathyroid carcinoma (PRTC). Also called: Parathyroid gland carcinoma; CDC73-Related Parathyroid Carcinoma. Identifiers: Orphanet 143, MedGen C0687150, MONDO:0012004, OMIM 608266, HP:0006780.

Allele frequency attached by ClinVar (database versions not stated): gnomAD exomes below 0.00001.
gnomAD v4.1: 2 of 1,613,120 alleles (0.00012%); highest among the groups gnomAD compares: Non-Finnish European, 0.00017%; no homozygotes.

Submissions (2):

Ambry Genetics
Classification: Likely pathogenic for Hereditary cancer-predisposing syndrome. Last evaluated: 2025-09-30. Review status: criteria provided, single submitter. Criteria: Ambry Variant Classification Scheme 2023. Collection method: clinical testing. Allele origin: germline.
Comment: The c.1030+2T>C intronic variant results from a T to C substitution two nucleotides after coding exon 11 in the CDC73 gene. This nucleotide position is highly conserved in available vertebrate species. In silico splice site analysis predicts that this alteration will weaken the native splice donor site. Alterations that disrupt the canonical splice site are expected to cause aberrant splicing, resulting in an abnormal protein or a transcript that is subject to nonsense-mediated mRNA decay. RNA studies have demonstrated that this alteration results in abnormal splicing in the set of samples tested (Ambry internal data). This variant is considered to be rare based on population cohorts in the Genome Aggregation Database (gnomAD). Based on the majority of available evidence to date, this variant is likely to be pathogenic.

Labcorp Genetics (formerly Invitae), Labcorp
Classification: Likely pathogenic for Parathyroid carcinoma. Last evaluated: 2023-12-06. Review status: criteria provided, single submitter. Criteria: Invitae Variant Classification Sherloc (09022015). Collection method: clinical testing. Allele origin: germline.
Comment: This sequence change affects a donor splice site in intron 11 of the CDC73 gene. RNA analysis indicates that disruption of this splice site induces altered splicing and may result in an absent or disrupted protein product. This variant is not present in population databases (gnomAD no frequency). This variant has not been reported in the literature in individuals affected with CDC73-related conditions. Studies have shown that disruption of this splice site results in skipping of exon 11 and introduces a premature termination codon (Invitae). The resulting mRNA is expected to undergo nonsense-mediated decay. In summary, the currently available evidence indicates that the variant is pathogenic, but additional data are needed to prove that conclusively. Therefore, this variant has been classified as Likely Pathogenic.

NM_024529.5(CDC73):c.1030+2T>C

Gene: CDC73 (cell division cycle 73; plus strand). Cytogenetic location: 1q31.2.
Variant type: single nucleotide variant.
Coding change: c.1030+2T>C on transcript NM_024529.5 (MANE Select); the canonical splice donor site of the intron after coding-DNA position 1030, T replaced by C.
Molecular consequence: splice donor variant.
Genome position (GRCh38, 1-based): chr1:193,203,854, T>C. VCF-style: chr1-193203854-T-C. GRCh37 (hg19) VCF-style: chr1-193172984-T-C.
Other names: c.1030+2T>C (NM_024529.4).
Identifiers: ClinVar variation 2692686 (VCV002692686.6), dbSNP rs2527440254, ClinGen allele CA344076196.